The following is an entry in ClinVar:

NM_007194.4(CHEK2):c.1009-14G>C

Gene: CHEK2 (checkpoint kinase 2; minus strand). Cytogenetic location: 22q12.1.
Variant type: single nucleotide variant.
Coding change: c.1009-14G>C on transcript NM_007194.4 (MANE Select); 14 bases into the intron before coding-DNA position 1009, G replaced by C.
Molecular consequence: intron variant.
Genome position (GRCh38, 1-based): chr22:28,697,001, C>G on the plus strand (G>C on the coding strand, the complement: CHEK2 is on the minus strand). VCF-style: chr22-28697001-C-G. GRCh37 (hg19) VCF-style: chr22-29092989-C-G.
Other names: c.346-14G>C (NM_001437942.1, NM_001257387.3); c.808-14G>C (NM_001349956.3); c.1009-1128G>C (NM_145862.3); c.1102-1128G>C (NM_001438295.1); c.1102-14G>C (NM_001438293.1); c.1138-1128G>C (NM_001438294.1); c.1138-14G>C (NM_001005735.3).
Identifiers: ClinVar variation 491584 (VCV000491584.7), dbSNP rs1172442364, ClinGen allele CA658684246.

ClinVar aggregate classification (germline): Conflicting classifications of pathogenicity. Review status: criteria provided, conflicting classifications (1 of 4 stars). 3 submissions from 3 submitters: Uncertain significance (1); Likely benign (2). Last evaluated 2024-10-04.

Conditions:
Hereditary cancer-predisposing syndrome. Also called: Hereditary neoplastic syndrome; Tumor predisposition; Hereditary Cancer Syndrome; Neoplastic Syndromes, Hereditary. Identifiers: Orphanet 140162, MedGen C0027672, MeSH D009386, MONDO:0015356.
Familial cancer of breast. Also called: Hereditary breast cancer; hereditary breast carcinoma; BREAST CANCER, FAMILIAL. Identifiers: Orphanet 227535, MedGen C0346153, MONDO:0016419, OMIM 114480. Disease mechanism: loss of function.

Submissions (3):

Myriad Genetics, Inc.
Classification: Likely benign for Familial cancer of breast. Last evaluated: 2024-10-04. Review status: criteria provided, single submitter. Criteria: Myriad Autosomal Dominant, Autosomal Recessive and X-Linked Classification Criteria (2023). Collection method: clinical testing. Allele origin: unknown.
Comment: This variant is considered likely benign. This variant is intronic and is not expected to impact mRNA splicing.

Labcorp Genetics (formerly Invitae), Labcorp
Classification: Uncertain significance for Familial cancer of breast. Last evaluated: 2023-05-20. Review status: criteria provided, single submitter. Criteria: Invitae Variant Classification Sherloc (09022015). Collection method: clinical testing. Allele origin: germline.
Comment: In summary, the available evidence is currently insufficient to determine the role of this variant in disease. Therefore, it has been classified as a Variant of Uncertain Significance. Algorithms developed to predict the effect of sequence changes on RNA splicing suggest that this variant may disrupt the consensus splice site. ClinVar contains an entry for this variant (Variation ID: 491584). This variant has not been reported in the literature in individuals affected with CHEK2-related conditions. This variant is not present in population databases (gnomAD no frequency). This sequence change falls in intron 9 of the CHEK2 gene. It does not directly change the encoded amino acid sequence of the CHEK2 protein.

Color Diagnostics, LLC DBA Color Health
Classification: Likely benign for Hereditary cancer-predisposing syndrome. Last evaluated: 2017-08-31. Review status: criteria provided, single submitter. Criteria: ACMG Guidelines, 2015. Collection method: clinical testing. Allele origin: germline.